The following is an entry in ClinVar:

NM_019045.5(WDR44):c.308A>G (p.Asp103Gly)

Gene: WDR44 (WD repeat domain 44; plus strand). Cytogenetic location: Xq24.
Variant type: single nucleotide variant.
Coding change: c.308A>G on transcript NM_019045.5 (MANE Select); coding-DNA position 308, A replaced by G.
Protein change: p.Asp103Gly; replaces aspartic acid 103 with glycine.
Molecular consequence: missense variant.
Genome position (GRCh38, 1-based): chrX:118,392,753, A>G. VCF-style: chrX-118392753-A-G. GRCh37 (hg19) VCF-style: chrX-117526716-A-G.
Other names: c.308A>G, p.Asp103Gly (NM_001184965.2); c.233A>G, p.Asp78Gly (NM_001184966.1); short protein forms D103G, D78G.
Identifiers: ClinVar variation 4083173 (VCV004083173.2).

ClinVar aggregate classification (germline): Uncertain significance (1 of 4 stars; one submission).

gnomAD v4.1: 1 of 1,212,051 alleles (0.000083%); highest among the groups gnomAD compares: Non-Finnish European, 0.00011%; no homozygotes.

Submission:

GeneDx
Classification: Uncertain significance. Last evaluated: 2026-02-03. Review status: criteria provided, single submitter. Criteria: GeneDx Variant Classification Process June 2021. Collection method: clinical testing. Allele origin: germline.
Comment: Not observed at significant frequency in large population cohorts (gnomAD); In silico analysis suggests that this missense variant does not alter protein structure/function; Has not been previously published as pathogenic or benign to our knowledge